The following is an entry in ClinVar:

ClinVar aggregate classification (germline): Uncertain significance (1 of 4 stars; one submission).

Allele frequency attached by ClinVar (database versions not stated): gnomAD exomes below 0.00001.
gnomAD v4.1: 1 of 1,613,080 alleles (0.000062%); highest among the groups gnomAD compares: Non-Finnish European, 0.000085%; no homozygotes.

Submission:

GeneDx
Classification: Uncertain significance. Last evaluated: 2022-07-22. Review status: criteria provided, single submitter. Criteria: GeneDx Variant Classification Process June 2021. Collection method: clinical testing. Allele origin: germline. Affected: yes.
Comment: Nonsense variant predicted to result in protein truncation or nonsense mediated decay in a gene or region of a gene for which loss of function is not a well-established mechanism of disease; Not observed at significant frequency in large population cohorts (gnomAD); Has not been previously published as pathogenic or benign to our knowledge

NM_015915.5(ATL1):c.412A>T (p.Lys138Ter)

Gene: ATL1 (atlastin GTPase 1; plus strand). Cytogenetic location: 14q22.1.
Variant type: single nucleotide variant.
Coding change: c.412A>T on transcript NM_015915.5 (MANE Select); coding-DNA position 412, A replaced by T.
Protein change: p.Lys138Ter; replaces lysine 138 with a stop codon.
Molecular consequence: nonsense.
Genome position (GRCh38, 1-based): chr14:50,591,070, A>T. VCF-style: chr14-50591070-A-T. GRCh37 (hg19) VCF-style: chr14-51057788-A-T.
Other names: c.412A>T, p.Lys138Ter (NM_001127713.1, NM_181598.4); short protein forms K138*.
Identifiers: ClinVar variation 2136194 (VCV002136194.1), dbSNP rs2504492323, ClinGen allele CA389667014.